The following is an entry in ClinVar:

ClinVar aggregate classification (germline): Conflicting classifications of pathogenicity. Review status: criteria provided, conflicting classifications (1 of 4 stars). 5 submissions from 5 submitters: Uncertain significance (3); Likely benign (1). 1 of the submissions does not count toward it. Last evaluated 2024-11-05.

Conditions:
Abetalipoproteinaemia (ABL). Also called: MTP DEFICIENCY; Abetalipoproteinemia; Abetalipoproteinemia neuropathy; Apolipoprotein B deficiency; Congenital betalipoprotein deficiency syndrome. Identifiers: Orphanet 14, MedGen C0000744, MONDO:0008692, OMIM 200100, HP:0008181.

Allele frequency attached by ClinVar (database versions not stated): gnomAD 0.00034 and 0.00032; TOPMed 0.00038; ESP Exome Variant Server 0.00046; 1000 Genomes Project 30x 0.00047; 1000 Genomes Project 0.00060; gnomAD exomes 0.00004 and 0.00008; ExAC 0.00009.
gnomAD v4.1: 117 of 1,614,184 alleles (0.0072%); highest among the groups gnomAD compares: African/African-American, 0.12%; 1 homozygote.

Submissions (5):

Blueprint Genetics
Classification: Likely benign. Last evaluated: 2024-11-05. Review status: criteria provided, single submitter. Criteria: ACMG Guidelines, 2015. Collection method: clinical testing. Allele origin: germline.

Labcorp Genetics (formerly Invitae), Labcorp
Classification: Uncertain significance. Last evaluated: 2024-10-20. Review status: criteria provided, single submitter. Criteria: Invitae Variant Classification Sherloc (09022015). Collection method: clinical testing. Allele origin: germline.
Comment: This sequence change replaces glycine, which is neutral and non-polar, with glutamic acid, which is acidic and polar, at codon 49 of the MTTP protein (p.Gly49Glu). This variant is present in population databases (rs145545828, gnomAD 0.1%). This variant has not been reported in the literature in individuals affected with MTTP-related conditions. ClinVar contains an entry for this variant (Variation ID: 858460). Invitae Evidence Modeling of protein sequence and biophysical properties (such as structural, functional, and spatial information, amino acid conservation, physicochemical variation, residue mobility, and thermodynamic stability) indicates that this missense variant is not expected to disrupt MTTP protein function with a negative predictive value of 80%. In summary, the available evidence is currently insufficient to determine the role of this variant in disease. Therefore, it has been classified as a Variant of Uncertain Significance.

Mayo Clinic Laboratories, Mayo Clinic
Classification: Uncertain significance. Last evaluated: 2022-02-24. Review status: criteria provided, single submitter. Criteria: ACMG Guidelines, 2015. Collection method: clinical testing. Allele origin: germline. Observed: 1 variant allele.
Comment: BP4

Department of Pathology and Laboratory Medicine, Sinai Health System
Classification: Uncertain significance for Abetalipoproteinaemia. Last evaluated: 2022-02-17. Review status: criteria provided, single submitter. Criteria: ACMG Guidelines, 2015. Collection method: research. Allele origin: germline.

Natera, Inc.
Classification: Uncertain significance for Abetalipoproteinemia. Last evaluated: 2020-01-17. Review status: no assertion criteria provided. Collection method: clinical testing. Allele origin: germline. Not counted in ClinVar's aggregate classification.

NM_001386140.1(MTTP):c.146G>A (p.Gly49Glu)

Gene: MTTP (microsomal triglyceride transfer protein; plus strand). Cytogenetic location: 4q23.
Variant type: single nucleotide variant.
Coding change: c.146G>A on transcript NM_001386140.1 (MANE Select); coding-DNA position 146, G replaced by A.
Protein change: p.Gly49Glu; replaces glycine 49 with glutamic acid.
Molecular consequence: missense variant. On other transcripts: 5 prime UTR variant (1).
Genome position (GRCh38, 1-based): chr4:99,581,989, G>A. VCF-style: chr4-99581989-G-A. GRCh37 (hg19) VCF-style: chr4-100503146-G-A.
Other names: p.Gly49Glu; c.146G>A, p.Gly49Glu (NM_000253.4); c.-104G>A (NM_001300785.2); short protein forms G49E.
Identifiers: ClinVar variation 858460 (VCV000858460.9), dbSNP rs145545828, ClinGen allele CA3021751.